The following is an entry in ClinVar:

NM_006421.5(ARFGEF1):c.1028-2A>T

Gene: ARFGEF1 (ARF guanine nucleotide exchange factor 1; minus strand). Cytogenetic location: 8q13.2.
Variant type: single nucleotide variant.
Coding change: c.1028-2A>T on transcript NM_006421.5 (MANE Select); the canonical splice acceptor site of the intron before coding-DNA position 1028, A replaced by T.
Molecular consequence: splice acceptor variant. On other transcripts: intron variant (1).
Genome position (GRCh38, 1-based): chr8:67,277,459, T>A on the plus strand (A>T on the coding strand, the complement: ARFGEF1 is on the minus strand). VCF-style: chr8-67277459-T-A. GRCh37 (hg19) VCF-style: chr8-68189694-T-A.
Other names: c.1028-2A>T (NM_001413186.1, NM_001413187.1, NM_001413185.1 and 7 more transcripts); c.428-2A>T (NM_001413188.1, NM_001413197.1, NM_001413193.1); c.-88-5523A>T (NM_001413196.1).
Identifiers: ClinVar variation 1325861 (VCV001325861.1), dbSNP rs2128900324, ClinGen allele CA371253979.
Genomic context (GRCh38, chr8:67,277,459, plus strand): 5'-CTCTATAGTTCCAATGTTGCCATCTGCACTTGCATTTATAGTAGTCCCTTCTCCCATATC[T>A]AAAATGATAAGAATAAAAACCATGCAAATATATCTGACTTAACCGAAGTGTATTTAAAAA-3'

ClinVar aggregate classification (germline): Likely pathogenic (1 of 4 stars; one submission).

Conditions:
Intellectual disability. Also called: intellectual disabilities; Intellectual functioning disability; Intellectual developmental disorder. Identifiers: MedGen C3714756, MeSH D008607, MONDO:0001071, HP:0001249.
Focal-onset seizure. Also called: Focal seizures. Identifiers: MedGen C0751495, HP:0007359.

Submission:

Institute of Human Genetics, University of Leipzig Medical Center
Classification: Likely pathogenic for Intellectual disability; Focal-onset seizure. Last evaluated: 2021-10-07. Review status: criteria provided, single submitter. Criteria: ACMG Guidelines, 2015. Collection method: clinical testing. Allele origin: unknown. Affected: yes.
Comment: _x000D_ Criteria applied: PVS1, PM2_SUP